The following is an entry in ClinVar:

NM_001252024.2(TRPM1):c.3007G>A (p.Gly1003Arg)

Genes: TRPM1 (transient receptor potential cation channel subfamily M member 1; minus strand), TRPM1-AS1 (TRPM1 antisense RNA 1; plus strand). Cytogenetic location: 15q13.3.
Variant type: single nucleotide variant.
Coding change: c.3007G>A on transcript NM_001252024.2 (MANE Select); coding-DNA position 3007, G replaced by A.
Protein change: p.Gly1003Arg; replaces glycine 1003 with arginine.
Molecular consequence: missense variant.
Genome position (GRCh38, 1-based): chr15:31,031,103, C>T on the plus strand (G>A on the coding strand, the complement: TRPM1 is on the minus strand). VCF-style: chr15-31031103-C-T. GRCh37 (hg19) VCF-style: chr15-31323306-C-T.
Other names: c.3058G>A, p.Gly1020Arg (NM_001252020.2); c.2941G>A, p.Gly981Arg (NM_002420.6); short protein forms G1020R, G981R, G1003R.
Identifiers: ClinVar variation 1486603 (VCV001486603.9), dbSNP rs769138762, ClinGen allele CA7452006.

ClinVar aggregate classification (germline): Uncertain significance. Review status: criteria provided, multiple submitters, no conflicts (2 of 4 stars). 3 submissions from 3 submitters: Uncertain significance (3). Last evaluated 2026-01-05.

Conditions:
Congenital stationary night blindness 1C. Also called: Night blindness, congenital stationary (complete), 1C, autosomal recessive. Identifiers: Orphanet 215, MedGen C2750747, MONDO:0013183, OMIM 613216.

Allele frequency attached by ClinVar (database versions not stated): gnomAD 0.00001; ExAC 0.00002; TOPMed 0.00002; gnomAD exomes 0.00003.
gnomAD v4.1: 39 of 1,614,010 alleles (0.0024%); highest among the groups gnomAD compares: South Asian, 0.0055%; no homozygotes.

Submissions (3):

Labcorp Genetics (formerly Invitae), Labcorp
Classification: Uncertain significance. Last evaluated: 2026-01-05. Review status: criteria provided, single submitter. Criteria: Invitae Variant Classification Sherloc (09022015). Collection method: clinical testing. Allele origin: germline.
Comment: This sequence change replaces glycine, which is neutral and non-polar, with arginine, which is basic and polar, at codon 981 of the TRPM1 protein (p.Gly981Arg). This variant is present in population databases (rs769138762, gnomAD 0.01%). This variant has not been reported in the literature in individuals affected with TRPM1-related conditions. ClinVar contains an entry for this variant (Variation ID: 1486603). Invitae Evidence Modeling of protein sequence and biophysical properties (such as structural, functional, and spatial information, amino acid conservation, physicochemical variation, residue mobility, and thermodynamic stability) indicates that this missense variant is expected to disrupt TRPM1 protein function with a positive predictive value of 95%. In summary, the available evidence is currently insufficient to determine the role of this variant in disease. Therefore, it has been classified as a Variant of Uncertain Significance.

Blueprint Genetics
Classification: Uncertain significance. Last evaluated: 2023-01-25. Review status: criteria provided, single submitter. Criteria: ACMG Guidelines, 2015. Collection method: clinical testing. Allele origin: germline.

Genetics and Molecular Pathology, SA Pathology
Classification: Uncertain significance for Congenital stationary night blindness 1C. Last evaluated: 2020-11-26. Review status: criteria provided, single submitter. Criteria: ACMG Guidelines, 2015. Collection method: clinical testing. Allele origin: germline. Affected: yes.